The following is an entry in ClinVar:

NM_001376013.1(EPB41):c.120A>G (p.Gln40=)

Gene: EPB41 (erythrocyte membrane protein band 4.1; plus strand). Cytogenetic location: 1p35.3.
Variant type: single nucleotide variant.
Coding change: c.120A>G on transcript NM_001376013.1 (MANE Select); coding-DNA position 120, A replaced by G.
Protein change: p.Gln40=; no amino-acid change (glutamine 40 retained).
Molecular consequence: synonymous variant. On other transcripts: 5 prime UTR variant (10).
Genome position (GRCh38, 1-based): chr1:28,987,557, A>G. VCF-style: chr1-28987557-A-G. GRCh37 (hg19) VCF-style: chr1-29314069-A-G.
Other names: p.Gln40=; c.120A>G, p.Gln40= (NM_001166005.2, NM_001166006.2, NM_001376014.1 and 8 more transcripts); c.-508A>G (NM_001166007.2, NM_001376022.1, NM_001376023.1 and 5 more transcripts); c.-588A>G (NM_004437.4, NM_203342.3); c.120A>G (NM_001166005.1).
Identifiers: ClinVar variation 994251 (VCV000994251.23), dbSNP rs146663694, ClinGen allele CA724164.

ClinVar aggregate classification (germline): Benign/Likely benign. Review status: criteria provided, multiple submitters, no conflicts (2 of 4 stars). 6 submissions from 6 submitters: Benign (4); Likely benign (1). 1 of the submissions does not count toward it. Last evaluated 2025-11-13.

Conditions:
EPB41-related disorder. Also called: EPB41-related condition.
Elliptocytosis 1 (EL1). Also called: 4.1- TRAIT; 4.1-MINUS TRAIT; ELLIPTOCYTOSIS, RHESUS-LINKED TYPE; PROTEIN 4.1 OF ERYTHROCYTE MEMBRANE, DEFECT OF. Identifiers: Orphanet 288, MedGen C2678497, MONDO:0012731, OMIM 611804.

Allele frequency attached by ClinVar (database versions not stated): gnomAD exomes 0.00086; ExAC 0.00101; 1000 Genomes Project 0.00280; 1000 Genomes Project 30x 0.00281; TOPMed 0.00386; ESP Exome Variant Server 0.00423.
gnomAD v4.1: 1,137 of 1,614,182 alleles (0.07%); highest among the groups gnomAD compares: African/African-American, 1.3%; 10 homozygotes.

Submissions (6):

Labcorp Genetics (formerly Invitae), Labcorp
Classification: Benign. Last evaluated: 2025-11-13. Review status: criteria provided, single submitter. Criteria: Invitae Variant Classification Sherloc (09022015). Collection method: clinical testing. Allele origin: germline.

Mayo Clinic Laboratories, Mayo Clinic
Classification: Benign. Last evaluated: 2025-09-30. Review status: criteria provided, single submitter. Criteria: ACMG Guidelines, 2015. Collection method: clinical testing. Allele origin: germline. Observed: 9 variant alleles.

Blueprint Genetics
Classification: Likely benign. Last evaluated: 2024-10-18. Review status: criteria provided, single submitter. Criteria: ACMG Guidelines, 2015. Collection method: clinical testing. Allele origin: germline.

ARUP Laboratories, Molecular Genetics and Genomics, ARUP Laboratories
Classification: Benign for Elliptocytosis 1. Last evaluated: 2024-09-04. Review status: criteria provided, single submitter. Criteria: ARUP Molecular Germline Variant Investigation Process 2024. Collection method: clinical testing. Allele origin: germline.

Breakthrough Genomics
Classification: Benign. Review status: criteria provided, single submitter. Criteria: ACMG Guidelines, 2015. Collection method: not provided. Allele origin: germline. Inheritance: Autosomal dominant inheritance. Affected: yes.

PreventionGenetics, part of Exact Sciences
Classification: Benign for EPB41-related condition. Last evaluated: 2019-10-31. Review status: no assertion criteria provided. Collection method: clinical testing. Allele origin: germline. Not counted in ClinVar's aggregate classification.
Comment: This variant is classified as benign based on ACMG/AMP sequence variant interpretation guidelines (Richards et al. 2015 PMID: 25741868, with internal and published modifications).